The following is an entry in ClinVar:

NM_153717.3(EVC):c.439G>C (p.Val147Leu)

Gene: EVC (EvC ciliary complex subunit 1; plus strand). Cytogenetic location: 4p16.2.
Variant type: single nucleotide variant.
Coding change: c.439G>C on transcript NM_153717.3 (MANE Select); coding-DNA position 439, G replaced by C.
Protein change: p.Val147Leu; replaces valine 147 with leucine.
Molecular consequence: missense variant.
Genome position (GRCh38, 1-based): chr4:5,731,479, G>C. VCF-style: chr4-5731479-G-C. GRCh37 (hg19) VCF-style: chr4-5733206-G-C.
Other names: c.439G>C, p.Val147Leu (NM_001306090.2, NM_001306092.2); short protein forms V147L.
Identifiers: ClinVar variation 3768538 (VCV003768538.1).

ClinVar aggregate classification (germline): Uncertain significance (1 of 4 stars; one submission).

Submission:

Women's Health and Genetics/Laboratory Corporation of America, LabCorp
Classification: Uncertain significance. Last evaluated: 2024-12-30. Review status: criteria provided, single submitter. Criteria: LabCorp Variant Classification Summary - May 2015. Collection method: clinical testing. Allele origin: germline.
Comment: Variant summary: EVC c.439G>C (p.Val147Leu) results in a conservative amino acid change in the encoded protein sequence. Five of five in-silico tools predict a benign effect of the variant on protein function. The variant was absent in 282184 control chromosomes. The available data on variant occurrences in the general population are insufficient to allow any conclusion about variant significance. To our knowledge, no occurrence of c.439G>C in individuals affected with Ellis-van Creveld syndrome and no experimental evidence demonstrating its impact on protein function have been reported. No submitters have cited clinical-significance assessments for this variant to ClinVar. Based on the evidence outlined above, the variant was classified as uncertain significance.